The following is an entry in ClinVar:

NM_000051.4(ATM):c.1931C>T (p.Ser644Leu)

Gene: ATM (ATM serine/threonine kinase; plus strand). Cytogenetic location: 11q22.3.
Variant type: single nucleotide variant.
Coding change: c.1931C>T on transcript NM_000051.4 (MANE Select); coding-DNA position 1931, C replaced by T.
Protein change: p.Ser644Leu; replaces serine 644 with leucine.
Molecular consequence: missense variant.
Genome position (GRCh38, 1-based): chr11:108,253,846, C>T. VCF-style: chr11-108253846-C-T. GRCh37 (hg19) VCF-style: chr11-108124573-C-T.
Other names: c.1931C>T, p.Ser644Leu (NM_001351834.2); short protein forms S644L.
Identifiers: ClinVar variation 2840170 (VCV002840170.3), dbSNP rs768362387, ClinGen allele CA382536540.

ClinVar aggregate classification (germline): Uncertain significance (1 of 4 stars; one submission).

Conditions:
Ataxia-telangiectasia syndrome (AT). Also called: Cerebello-oculocutaneous telangiectasia; Immunodeficiency with ataxia telangiectasia; Ataxia-telangiectasia, complementation group E; Ataxia-telangiectasia, complementation group D; LOUIS-BAR SYNDROME; AT, COMPLEMENTATION GROUP C. Identifiers: Orphanet 100, MedGen C0004135, MONDO:0008840, OMIM 208900.

Submission:

Labcorp Genetics (formerly Invitae), Labcorp
Classification: Uncertain significance for Ataxia-telangiectasia syndrome. Last evaluated: 2023-06-09. Review status: criteria provided, single submitter. Criteria: Invitae Variant Classification Sherloc (09022015). Collection method: clinical testing. Allele origin: germline.
Comment: An algorithm developed to predict the effect of missense changes on protein structure and function (PolyPhen-2) suggests that this variant is likely to be tolerated. In summary, the available evidence is currently insufficient to determine the role of this variant in disease. Therefore, it has been classified as a Variant of Uncertain Significance. This variant has not been reported in the literature in individuals affected with ATM-related conditions. This variant is not present in population databases (gnomAD no frequency). This sequence change replaces serine, which is neutral and polar, with leucine, which is neutral and non-polar, at codon 644 of the ATM protein (p.Ser644Leu).